The following is an entry in ClinVar:

ClinVar aggregate classification (germline): Likely pathogenic (1 of 4 stars; one submission).

Conditions:
Hereditary cancer-predisposing syndrome. Also called: Tumor predisposition; Neoplastic Syndromes, Hereditary; Hereditary neoplastic syndrome; Hereditary Cancer Syndrome. Identifiers: Orphanet 140162, MedGen C0027672, MeSH D009386, MONDO:0015356.

Submission:

Molecular Diagnostics Laboratory, Catalan Institute of Oncology
Classification: Likely pathogenic for Hereditary cancer-predisposing syndrome. Last evaluated: 2025-05-19. Review status: criteria provided, single submitter. Criteria: ACMG Guidelines, 2015. Collection method: clinical testing. Allele origin: germline.
Comment: PVS1, PM2_Supporting c.991_992insA, located in exon 8 of the STK11 gene, consists in the insertion of 1 nucleotide causing a translational frameshift with a predicted alternate stop codon, p.(Arg331Glnfs*29)This alteration is expected to result in loss of function by premature protein truncation and nonsense-mediated mRNA decay (PVS1). It is not present in the population database gnomAD v2.1.1, non cancer dataset (PM2_Supporting). The SpliceAI algorithm predicts no significant impact on splicing. To our knowledge, functional studies have not been reported for this variant. The variant is not present neither in the ClinVar database nor LOVD databases. Based on currently available information, the variant c.991_992insA is classified as a likely pathogenic variant according to ACMG guidelines.

NM_000455.5(STK11):c.991_992insA (p.Arg331fs)

Genes: STK11 (serine/threonine kinase 11; plus strand), LOC130062899 (ATAC-STARR-seq lymphoblastoid active region 13597; plus strand). Cytogenetic location: 19p13.3.
Variant type: Insertion.
Coding change: c.991_992insA on transcript NM_000455.5 (MANE Select); coding-DNA positions 991 to 992, A inserted.
Protein change: p.Arg331fs; shifts the reading frame from arginine 331.
Molecular consequence: frameshift variant. On other transcripts: non-coding transcript variant (1).
Genome position: GRCh38 VCF-style: chr19-1223055-C-CA. GRCh37 (hg19) VCF-style: chr19-1223054-C-CA.
Other names: c.991_992insA, p.Arg331fs (NM_001407255.1); short protein forms R331fs.
Identifiers: ClinVar variation 4082306 (VCV004082306.1).